The following is an entry in ClinVar:

ClinVar aggregate classification (germline): Uncertain significance (1 of 4 stars; one submission).

Conditions:
Cohen syndrome (COH1). Also called: Cutis verticis gyrata, retinitis pigmentosa, and sensorineural deafness; PEPPER SYNDROME. Identifiers: Orphanet 193, MedGen C0265223, MONDO:0008999, OMIM 216550.

Submission:

Labcorp Genetics (formerly Invitae), Labcorp
Classification: Uncertain significance for Cohen syndrome. Last evaluated: 2022-04-12. Review status: criteria provided, single submitter. Criteria: Invitae Variant Classification Sherloc (09022015). Collection method: clinical testing. Allele origin: germline.
Comment: Algorithms developed to predict the effect of missense changes on protein structure and function are either unavailable or do not agree on the potential impact of this missense change (SIFT: "Not Available"; PolyPhen-2: "Possibly Damaging"; Align-GVGD: "Not Available"). In summary, the available evidence is currently insufficient to determine the role of this variant in disease. Therefore, it has been classified as a Variant of Uncertain Significance. This variant has not been reported in the literature in individuals affected with VPS13B-related conditions. This variant is not present in population databases (gnomAD no frequency). This sequence change replaces leucine, which is neutral and non-polar, with serine, which is neutral and polar, at codon 2982 of the VPS13B protein (p.Leu2982Ser).

NM_152564.5(VPS13B):c.8870T>C (p.Leu2957Ser)

Gene: VPS13B (vacuolar protein sorting 13 homolog B; plus strand). Cytogenetic location: 8q22.2.
Variant type: single nucleotide variant.
Coding change: c.8870T>C on transcript NM_152564.5 (MANE Select); coding-DNA position 8870, T replaced by C.
Protein change: p.Leu2957Ser; replaces leucine 2957 with serine.
Molecular consequence: missense variant.
Genome position (GRCh38, 1-based): chr8:99,819,998, T>C. VCF-style: chr8-99819998-T-C. GRCh37 (hg19) VCF-style: chr8-100832226-T-C.
Other names: c.8945T>C, p.Leu2982Ser (NM_017890.5); short protein forms L2957S, L2982S.
Identifiers: ClinVar variation 2125051 (VCV002125051.4), dbSNP rs727504219, ClinGen allele CA371777057.